The following is an entry in ClinVar:

ClinVar aggregate classification (germline): Uncertain significance (1 of 4 stars; one submission).

Conditions:
Neurodevelopmental disorder with or without hyperkinetic movements and seizures, autosomal dominant. Also called: Intellectual disability, autosomal dominant 8. Identifiers: MedGen C3280282, MONDO:0013655, OMIM 614254.

gnomAD v4.1: 4 of 1,613,372 alleles (0.00025%); highest among the groups gnomAD compares: Non-Finnish European, 0.00034%; no homozygotes.

Submission:

Labcorp Genetics (formerly Invitae), Labcorp
Classification: Uncertain significance for Neurodevelopmental disorder with or without hyperkinetic movements and seizures, autosomal dominant. Last evaluated: 2024-10-07. Review status: criteria provided, single submitter. Criteria: Invitae Variant Classification Sherloc (09022015). Collection method: clinical testing. Allele origin: germline.
Comment: This sequence change affects codon 833 of the GRIN1 mRNA. It is a 'silent' change, meaning that it does not change the encoded amino acid sequence of the GRIN1 protein. This variant is not present in population databases (gnomAD no frequency). This variant has not been reported in the literature in individuals affected with GRIN1-related conditions. ClinVar contains an entry for this variant (Variation ID: 2003139). Algorithms developed to predict the effect of sequence changes on RNA splicing suggest that this variant may create or strengthen a splice site. In summary, the available evidence is currently insufficient to determine the role of this variant in disease. Therefore, it has been classified as a Variant of Uncertain Significance.

NM_007327.4(GRIN1):c.2499C>A (p.Ile833=)

Gene: GRIN1 (glutamate ionotropic receptor NMDA type subunit 1; plus strand). Cytogenetic location: 9q34.3.
Variant type: single nucleotide variant.
Coding change: c.2499C>A on transcript NM_007327.4 (MANE Select); coding-DNA position 2499, C replaced by A.
Protein change: p.Ile833=; no amino-acid change (isoleucine 833 retained).
Molecular consequence: synonymous variant.
Genome position (GRCh38, 1-based): chr9:137,163,814, C>A. VCF-style: chr9-137163814-C-A. GRCh37 (hg19) VCF-style: chr9-140058266-C-A.
Other names: c.2499C>A, p.Ile833= (NM_000832.7, NM_021569.4); c.2562C>A, p.Ile854= (NM_001185090.2, NM_001185091.2).
Identifiers: ClinVar variation 2003139 (VCV002003139.4), dbSNP rs146086141, ClinGen allele CA467777686.